The following is an entry in ClinVar:

ClinVar aggregate classification (germline): Pathogenic (1 of 4 stars; one submission).

Conditions:
Koolen-de Vries syndrome (KDVS). Identifiers: Orphanet 96169, MedGen C1864871, MONDO:0012496, OMIM 610443.

Submission:

Labcorp Genetics (formerly Invitae), Labcorp
Classification: Pathogenic for Koolen-de Vries syndrome. Last evaluated: 2019-03-13. Review status: criteria provided, single submitter. Criteria: Invitae Variant Classification Sherloc (09022015). Collection method: clinical testing. Allele origin: germline.
Comment: This variant is a gross deletion of the genomic region encompassing exons 3-15 of the KANSL1 gene. The 5' boundary is likely confined to intron 3. The 3' end of this event is unknown as it extends through the termination codon beyond the assayed region for this gene and may encompass additional genes. While this deletion is not anticipated to result in nonsense mediated decay, it is expected to create a truncated protein product or disrupt mRNA translation. Isolated exons 3-15 deletions of KANSL1 have not been reported in the literature. However, larger copy number events that include this region have been reported in individuals affected with 17q21.31 microdeletion syndrome (PMID: 26306646). A truncating variant (p.Leu1042Arffs*71) that lies downstream of this variant, and is also not anticipated to result in nonsense mediated decay, has been determined to be pathogenic (PMID: 26306646). This suggests that deletion of this region of the KANSL1 protein is causative of disease. For these reasons, this variant has been classified as Pathogenic.

Literature cited by the submitters: PubMed 26306646.

NC_000017.11:g.(?_46031456)_(46082562_?)del

Gene: KANSL1 (KAT8 regulatory NSL complex subunit 1). Cytogenetic location: 17q21.31.
Variant type: Deletion.
Identifiers: ClinVar variation 584056 (VCV000584056.2).